The following is an entry in ClinVar:

ClinVar aggregate classification (germline): Conflicting classifications of pathogenicity. Review status: criteria provided, conflicting classifications (1 of 4 stars). 3 submissions from 3 submitters: Uncertain significance (2); Likely benign (1). Last evaluated 2025-10-05.

Conditions:
Inborn genetic diseases. Identifiers: MedGen C0950123, MeSH D030342.

gnomAD v4.1: 128 of 1,578,784 alleles (0.0081%); highest among the groups gnomAD compares: Admixed American, 0.011%; no homozygotes.

Submissions (3):

Labcorp Genetics (formerly Invitae), Labcorp
Classification: Uncertain significance. Last evaluated: 2025-10-05. Review status: criteria provided, single submitter. Criteria: Invitae Variant Classification Sherloc (09022015). Collection method: clinical testing. Allele origin: germline.
Comment: This sequence change replaces arginine, which is basic and polar, with histidine, which is basic and polar, at codon 153 of the DVL1 protein (p.Arg153His). This variant is present in population databases (rs758604532, gnomAD 0.007%). This variant has not been reported in the literature in individuals affected with DVL1-related conditions. ClinVar contains an entry for this variant (Variation ID: 3086381). Invitae Evidence Modeling of protein sequence and biophysical properties (such as structural, functional, and spatial information, amino acid conservation, physicochemical variation, residue mobility, and thermodynamic stability) indicates that this missense variant is not expected to disrupt DVL1 protein function with a negative predictive value of 80%. In summary, the available evidence is currently insufficient to determine the role of this variant in disease. Therefore, it has been classified as a Variant of Uncertain Significance.

Blueprint Genetics
Classification: Likely benign. Last evaluated: 2024-10-03. Review status: criteria provided, single submitter. Criteria: ACMG Guidelines, 2015. Collection method: clinical testing. Allele origin: germline.

Ambry Genetics
Classification: Uncertain significance for Inborn genetic diseases. Last evaluated: 2024-03-07. Review status: criteria provided, single submitter. Criteria: Ambry Variant Classification Scheme 2023. Collection method: clinical testing. Allele origin: germline.

NM_001330311.2(DVL1):c.458G>A (p.Arg153His)

Gene: DVL1 (dishevelled segment polarity protein 1; minus strand). Cytogenetic location: 1p36.33.
Variant type: single nucleotide variant.
Coding change: c.458G>A on transcript NM_001330311.2 (MANE Select); coding-DNA position 458, G replaced by A.
Protein change: p.Arg153His; replaces arginine 153 with histidine.
Molecular consequence: missense variant.
Genome position (GRCh38, 1-based): chr1:1,342,061, C>T on the plus strand (G>A on the coding strand, the complement: DVL1 is on the minus strand). VCF-style: chr1-1342061-C-T. GRCh37 (hg19) VCF-style: chr1-1277441-C-T.
Other names: c.458G>A, p.Arg153His (NM_004421.3); short protein forms R153H.
Identifiers: ClinVar variation 3086381 (VCV003086381.4), dbSNP rs758604532, ClinGen allele CA520678.